The following is an entry in ClinVar:

ClinVar aggregate classification (germline): Uncertain significance (1 of 4 stars; one submission).

Allele frequency attached by ClinVar (database versions not stated): gnomAD exomes below 0.00001.
gnomAD v4.1: 1 of 1,614,182 alleles (0.000062%); highest among the groups gnomAD compares: Non-Finnish European, 0.000085%; no homozygotes.

Submission:

Labcorp Genetics (formerly Invitae), Labcorp
Classification: Uncertain significance. Last evaluated: 2021-11-26. Review status: criteria provided, single submitter. Criteria: Invitae Variant Classification Sherloc (09022015). Collection method: clinical testing. Allele origin: germline.
Comment: In summary, the available evidence is currently insufficient to determine the role of this variant in disease. Therefore, it has been classified as a Variant of Uncertain Significance. Advanced modeling of protein sequence and biophysical properties (such as structural, functional, and spatial information, amino acid conservation, physicochemical variation, residue mobility, and thermodynamic stability) performed at Invitae indicates that this missense variant is expected to disrupt LRP2 protein function. This missense change has been observed in individual(s) with clinical features of Donnai-Barrow syndrome (Invitae). This variant is not present in population databases (gnomAD no frequency). This sequence change replaces cysteine, which is neutral and slightly polar, with arginine, which is basic and polar, at codon 3469 of the LRP2 protein (p.Cys3469Arg).

NM_004525.3(LRP2):c.10405T>C (p.Cys3469Arg)

Gene: LRP2 (LDL receptor related protein 2; minus strand). Cytogenetic location: 2q31.1.
Variant type: single nucleotide variant.
Coding change: c.10405T>C on transcript NM_004525.3 (MANE Select); coding-DNA position 10405, T replaced by C.
Protein change: p.Cys3469Arg; replaces cysteine 3469 with arginine.
Molecular consequence: missense variant.
Genome position (GRCh38, 1-based): chr2:169,176,577, A>G on the plus strand (T>C on the coding strand, the complement: LRP2 is on the minus strand). VCF-style: chr2-169176577-A-G. GRCh37 (hg19) VCF-style: chr2-170033087-A-G.
Other names: short protein forms C3469R.
Identifiers: ClinVar variation 1505703 (VCV001505703.6), dbSNP rs2105286646, ClinGen allele CA349148141.